The following is an entry in ClinVar:

NM_001258392.3(CLPB):c.1680+7G>A

Gene: CLPB (caseinolytic mitochondrial matrix peptidase chaperone subunit B; minus strand). Cytogenetic location: 11q13.4.
Variant type: single nucleotide variant.
Coding change: c.1680+7G>A on transcript NM_001258392.3 (MANE Select); 7 bases into the intron after coding-DNA position 1680, G replaced by A.
Molecular consequence: intron variant.
Genome position (GRCh38, 1-based): chr11:72,294,318, C>T on the plus strand (G>A on the coding strand, the complement: CLPB is on the minus strand). VCF-style: chr11-72294318-C-T. GRCh37 (hg19) VCF-style: chr11-72005362-C-T.
Other names: c.1593+7G>A (NM_001258393.3); c.1770+7G>A (NM_030813.6); c.1635+7G>A (NM_001258394.3).
Identifiers: ClinVar variation 392395 (VCV000392395.1), dbSNP rs1057524470, ClinGen allele CA16607009.

ClinVar aggregate classification (germline): Likely benign (1 of 4 stars; one submission).

Allele frequency attached by ClinVar (database versions not stated): TOPMed below 0.00001.

Submission:

GeneDx
Classification: Likely benign. Last evaluated: 2017-01-10. Review status: criteria provided, single submitter. Criteria: GeneDx Variant Classification (06012015). Collection method: clinical testing. Allele origin: germline. Affected: yes.
Comment: This variant is considered likely benign or benign based on one or more of the following criteria: it is a conservative change, it occurs at a poorly conserved position in the protein, it is predicted to be benign by multiple in silico algorithms, and/or has population frequency not consistent with disease.